The following is an entry in ClinVar:

NM_032271.3(TRAF7):c.1627-2A>G

Gene: TRAF7 (TNF receptor associated factor 7; plus strand). Cytogenetic location: 16p13.3.
Variant type: single nucleotide variant.
Coding change: c.1627-2A>G on transcript NM_032271.3 (MANE Select); the canonical splice acceptor site of the intron before coding-DNA position 1627, A replaced by G.
Molecular consequence: splice acceptor variant.
Genome position (GRCh38, 1-based): chr16:2,175,832, A>G. VCF-style: chr16-2175832-A-G. GRCh37 (hg19) VCF-style: chr16-2225833-A-G.
Identifiers: ClinVar variation 4075702 (VCV004075702.1).

ClinVar aggregate classification (germline): Uncertain significance (1 of 4 stars; one submission).

Submission:

GeneDx
Classification: Uncertain significance. Last evaluated: 2025-02-14. Review status: criteria provided, single submitter. Criteria: GeneDx Variant Classification Process June 2021. Collection method: clinical testing. Allele origin: germline. Affected: yes.
Comment: Not observed at significant frequency in large population cohorts (gnomAD); Canonical splice site variant in a gene for which loss-of-function is not an established mechanism of disease; Has not been previously published as pathogenic or benign to our knowledge